The following is an entry in ClinVar:

ClinVar aggregate classification (germline): Uncertain significance. Review status: criteria provided, multiple submitters, no conflicts (2 of 4 stars). 2 submissions from 2 submitters: Uncertain significance (2). Last evaluated 2024-08-05.

Allele frequency attached by ClinVar (database versions not stated): 1000 Genomes Project 30x 0.00016; gnomAD 0.00017 and 0.00019; TOPMed 0.00019; 1000 Genomes Project 0.00020; gnomAD exomes 0.00020; ExAC 0.00021.
gnomAD v4.1: 239 of 1,614,150 alleles (0.015%); highest among the groups gnomAD compares: East Asian, 0.15%; no homozygotes.

Submissions (2):

Blueprint Genetics
Classification: Uncertain significance. Last evaluated: 2024-08-05. Review status: criteria provided, single submitter. Criteria: ACMG Guidelines, 2015. Collection method: clinical testing. Allele origin: germline.

Labcorp Genetics (formerly Invitae), Labcorp
Classification: Uncertain significance. Last evaluated: 2022-09-05. Review status: criteria provided, single submitter. Criteria: Invitae Variant Classification Sherloc (09022015). Collection method: clinical testing. Allele origin: germline.
Comment: This sequence change replaces glutamic acid, which is acidic and polar, with lysine, which is basic and polar, at codon 964 of the ADAMTS17 protein (p.Glu964Lys). This variant is present in population databases (rs145482150, gnomAD 0.1%). This variant has not been reported in the literature in individuals affected with ADAMTS17-related conditions. ClinVar contains an entry for this variant (Variation ID: 1468702). Algorithms developed to predict the effect of missense changes on protein structure and function are either unavailable or do not agree on the potential impact of this missense change (SIFT: "Not Available"; PolyPhen-2: "Probably Damaging"; Align-GVGD: "Not Available"). In summary, the available evidence is currently insufficient to determine the role of this variant in disease. Therefore, it has been classified as a Variant of Uncertain Significance.

NM_139057.4(ADAMTS17):c.2890G>A (p.Glu964Lys)

Gene: ADAMTS17 (ADAM metallopeptidase with thrombospondin type 1 motif 17; minus strand). Cytogenetic location: 15q26.3.
Variant type: single nucleotide variant.
Coding change: c.2890G>A on transcript NM_139057.4 (MANE Select); coding-DNA position 2890, G replaced by A.
Protein change: p.Glu964Lys; replaces glutamic acid 964 with lysine.
Molecular consequence: missense variant.
Genome position (GRCh38, 1-based): chr15:99,993,107, C>T on the plus strand (G>A on the coding strand, the complement: ADAMTS17 is on the minus strand). VCF-style: chr15-99993107-C-T. GRCh37 (hg19) VCF-style: chr15-100533312-C-T.
Other names: short protein forms E964K.
Identifiers: ClinVar variation 1468702 (VCV001468702.4), dbSNP rs145482150, ClinGen allele CA7757540.